The following is an entry in ClinVar:

NM_000202.8(IDS):c.1621G>T (p.Gly541Cys)

Gene: IDS (iduronate 2-sulfatase; minus strand). Cytogenetic location: Xq28.
Variant type: single nucleotide variant.
Coding change: c.1621G>T on transcript NM_000202.8 (MANE Select); coding-DNA position 1621, G replaced by T.
Protein change: p.Gly541Cys; replaces glycine 541 with cysteine.
Molecular consequence: missense variant.
Genome position (GRCh38, 1-based): chrX:149,482,778, C>A on the plus strand (G>T on the coding strand, the complement: IDS is on the minus strand). VCF-style: chrX-149482778-C-A. GRCh37 (hg19) VCF-style: chrX-148564309-C-A.
Other names: c.1351G>T, p.Gly451Cys (NM_001166550.4); short protein forms G451C, G541C.
Identifiers: ClinVar variation 2883073 (VCV002883073.3), dbSNP rs145056272, ClinGen allele CA10537425.

ClinVar aggregate classification (germline): Uncertain significance (1 of 4 stars; one submission).

Conditions:
Mucopolysaccharidosis, MPS-II (MPS2). Also called: Attenuated MPS (subtype; formerly known as mild MPS II); Severe MPS II; I2S deficiency; MPS 2; Hunter Syndrome; IDURONATE 2-SULFATASE DEFICIENCY. Identifiers: Orphanet 580, Orphanet 79388, MedGen C0026705, MONDO:0010674, OMIM 309900.

Allele frequency attached by ClinVar (database versions not stated): TOPMed below 0.00001; ExAC 0.00001; gnomAD 0.00001; ESP Exome Variant Server 0.00009.

Submission:

Labcorp Genetics (formerly Invitae), Labcorp
Classification: Uncertain significance for Mucopolysaccharidosis, MPS-II. Last evaluated: 2023-06-28. Review status: criteria provided, single submitter. Criteria: Invitae Variant Classification Sherloc (09022015). Collection method: clinical testing. Allele origin: germline.
Comment: In summary, the available evidence is currently insufficient to determine the role of this variant in disease. Therefore, it has been classified as a Variant of Uncertain Significance. Advanced modeling of protein sequence and biophysical properties (such as structural, functional, and spatial information, amino acid conservation, physicochemical variation, residue mobility, and thermodynamic stability) has been performed at Invitae for this missense variant, however the output from this modeling did not meet the statistical confidence thresholds required to predict the impact of this variant on IDS protein function. This variant has not been reported in the literature in individuals affected with IDS-related conditions. This variant is present in population databases (rs145056272, gnomAD 0.001%). This sequence change replaces glycine, which is neutral and non-polar, with cysteine, which is neutral and slightly polar, at codon 541 of the IDS protein (p.Gly541Cys).